The following is an entry in ClinVar:

NM_001267550.2(TTN):c.25619C>T (p.Ser8540Phe)

Gene: TTN (titin; minus strand). Cytogenetic location: 2q31.2.
Variant type: single nucleotide variant.
Coding change: c.25619C>T on transcript NM_001267550.2 (MANE Select); coding-DNA position 25619, C replaced by T.
Protein change: p.Ser8540Phe; replaces serine 8540 with phenylalanine.
Molecular consequence: missense variant. On other transcripts: intron variant (3).
Genome position (GRCh38, 1-based): chr2:178,717,115, G>A on the plus strand (C>T on the coding strand, the complement: TTN is on the minus strand). VCF-style: chr2-178717115-G-A. GRCh37 (hg19) VCF-style: chr2-179581842-G-A.
Other names: p.S8223F:TCT>TTT; c.24668C>T, p.Ser8223Phe (NM_001256850.1); c.21887C>T, p.Ser7296Phe (NM_133378.4); c.13282+20967C>T (NM_003319.4); c.13858+20967C>T (NM_133437.4); c.13657+20967C>T (NM_133432.3); c.25619C>T (NM_001267550.1); short protein forms S8540F, S7296F, S8223F.
Identifiers: ClinVar variation 46762 (VCV000046762.58), dbSNP rs201523784, ClinGen allele CA139141.

ClinVar aggregate classification (germline): Conflicting classifications of pathogenicity. Review status: criteria provided, conflicting classifications (1 of 4 stars). 18 submissions from 14 submitters: Uncertain significance (4); Benign (5); Likely benign (9). Last evaluated 2026-09-01.

Conditions:
TTN-related disorder. Also called: TTN-related disorders; TTN-related condition; TTN-related disease.
Autosomal recessive limb-girdle muscular dystrophy type 2J (LGMDR10). Also called: MUSCULAR DYSTROPHY, LIMB-GIRDLE, AUTOSOMAL RECESSIVE 10; Limb-girdle muscular dystrophy, type 2J. Identifiers: Orphanet 140922, MedGen C1837342, MONDO:0012127, OMIM 608807.
Dilated cardiomyopathy 1G (CMD1G). Identifiers: Orphanet 154, MedGen C1858763, MONDO:0011400, OMIM 604145.
Cardiomyopathy (CMYO). Also called: Cardiomyopathies. Identifiers: Orphanet 167848, MedGen C0878544, MONDO:0004994, HP:0001638. Inheritance: Various modes of inheritance.
Early-onset myopathy with fatal cardiomyopathy (CMYO5). Also called: CONGENITAL MYOPATHY 5 WITH CARDIOMYOPATHY; Salih Myopathy. Identifiers: Orphanet 289377, MedGen C2673677, MONDO:0012714, OMIM 611705. Disease mechanism: loss of function.
Myopathy, myofibrillar, 9, with early respiratory failure (MFM9). Also called: Myopathy, distal, with early respiratory failure, autosomal dominant; Hereditary myopathy with early respiratory failure; EDSTROM MYOPATHY; MYOPATHY, PROXIMAL, WITH EARLY RESPIRATORY MUSCLE INVOLVEMENT. Identifiers: Orphanet 178464, Orphanet 34521, MedGen C1863599, MONDO:0011362, OMIM 603689.
Tibial muscular dystrophy (TMD). Also called: Tibial muscular dystrophy, tardive; Udd Distal Myopathy – Tibial Muscular Dystrophy; UDD MYOPATHY. Identifiers: Orphanet 609, MedGen C1838244, MONDO:0010870, OMIM 600334.
Hypertrophic cardiomyopathy 9. Also called: Familial hypertrophic cardiomyopathy 9. Identifiers: MedGen C1861065, MONDO:0013412, OMIM 613765.

Allele frequency attached by ClinVar (database versions not stated): gnomAD exomes 0.00058; 1000 Genomes Project 0.00020; TOPMed 0.00047; gnomAD 0.00045 and 0.00044; 1000 Genomes Project 30x 0.00047; ESP Exome Variant Server 0.00041; ExAC 0.00051.
gnomAD v4.1: 973 of 1,613,056 alleles (0.06%); highest among the groups gnomAD compares: Non-Finnish European, 0.064%; 1 homozygote.

Submissions (18):

CeGaT Center for Human Genetics Tuebingen
Classification: Likely benign. Last evaluated: 2026-09-01. Review status: criteria provided, single submitter. Criteria: CeGaT Center For Human Genetics Tuebingen Variant Classification Criteria Version 2. Collection method: clinical testing. Allele origin: germline. Affected: yes. Observed: 5 variant alleles.
Comment: TTN: BP4, BS2

Labcorp Genetics (formerly Invitae), Labcorp
Classification: Likely benign for Dilated cardiomyopathy 1G; Autosomal recessive limb-girdle muscular dystrophy type 2J. Last evaluated: 2026-01-27. Review status: criteria provided, single submitter. Criteria: Invitae Variant Classification Sherloc (09022015). Collection method: clinical testing. Allele origin: germline.

PreventionGenetics, part of Exact Sciences
Classification: Likely benign for TTN-related condition. Last evaluated: 2025-03-24. Review status: criteria provided, single submitter. Criteria: ACMG Guidelines, 2015. Collection method: clinical testing. Allele origin: germline.
Comment: This variant is classified as likely benign based on ACMG/AMP sequence variant interpretation guidelines (Richards et al. 2015 PMID: 25741868, with internal and published modifications).

Athena Diagnostics
Classification: Benign. Last evaluated: 2025-02-06. Review status: criteria provided, single submitter. Criteria: Athena Diagnostics Criteria. Collection method: clinical testing. Allele origin: unknown.
Comment: The frequency of this variant in the general population is higher than would generally be expected for pathogenic variants in this gene.

Blueprint Genetics
Classification: Likely benign. Last evaluated: 2024-11-15. Review status: criteria provided, single submitter. Criteria: ACMG Guidelines, 2015. Collection method: clinical testing. Allele origin: germline.

ARUP Laboratories, Molecular Genetics and Genomics, ARUP Laboratories
Classification: Likely benign. Last evaluated: 2024-03-21. Review status: criteria provided, single submitter. Criteria: ARUP Molecular Germline Variant Investigation Process 2024. Collection method: clinical testing. Allele origin: germline.

CHEO Genetics Diagnostic Laboratory, Children's Hospital of Eastern Ontario
Classification: Benign for Cardiomyopathy. Last evaluated: 2021-06-09. Review status: criteria provided, single submitter. Criteria: ACMG Guidelines, 2015. Collection method: clinical testing. Allele origin: germline.

Women's Health and Genetics/Laboratory Corporation of America, LabCorp
Classification: Benign. Last evaluated: 2021-04-20. Review status: criteria provided, single submitter. Criteria: LabCorp Variant Classification Summary - May 2015. Collection method: clinical testing. Allele origin: germline.
Comment: Variant summary: TTN c.21887C>T (p.Ser7296Phe) results in a non-conservative amino acid change located in the I-band of the encoded protein sequence. Three of five in-silico tools predict a damaging effect of the variant on protein function. The variant allele was found at a frequency of 0.00058 in 248154 control chromosomes, predominantly at a frequency of 0.00065 within the Non-Finnish European subpopulation in the gnomAD database. The observed variant frequency within Non-Finnish European control individuals in the gnomAD database is slightly higher the estimated maximal expected allele frequency for a pathogenic variant in TTN causing Cardiomyopathy phenotype (0.00063), strongly suggesting that the variant is a benign polymorphism found primarily in populations of Non-Finnish European origin. To our knowledge, no occurrence of c.21887C>T in individuals affected with Cardiomyopathy and no experimental evidence demonstrating its impact on protein function have been reported. Co-occurrences with other pathogenic variants have been reported (ALMS1 c.11629C>T, p.Gln3877X; MYH7 c.2539A>G , p.Lys847Glu), providing supporting evidence for a benign role. Seven clinical diagnostic laboratories have submitted clinical-significance assessments for this variant to ClinVar after 2014 without evidence for independent evaluation. Multiple laboratories reported the variant with conflicting assessments (Likely benign/benign n=5, VUS n=2). Based on the evidence outlined above, the variant was classified as benign.

GeneDx
Classification: Likely benign. Last evaluated: 2021-04-06. Review status: criteria provided, single submitter. Criteria: GeneDx Variant Classification Process June 2021. Collection method: clinical testing. Allele origin: germline. Affected: yes.
Comment: This variant is associated with the following publications: (PMID: 23861362, 27841875)

Illumina Laboratory Services, Illumina
Classification: Uncertain significance for Early-onset myopathy with fatal cardiomyopathy. Last evaluated: 2018-01-12. Review status: criteria provided, single submitter. Criteria: ICSL Variant Classification Criteria 13 December 2019. Collection method: clinical testing. Allele origin: germline.

Illumina Laboratory Services, Illumina
Classification: Benign for Myopathy, myofibrillar, 9, with early respiratory failure. Last evaluated: 2018-01-12. Review status: criteria provided, single submitter. Criteria: ICSL Variant Classification Criteria 13 December 2019. Collection method: clinical testing. Allele origin: germline.
Comment: This variant was observed in the ICSL laboratory as part of a predisposition screen in an ostensibly healthy population. It had not been previously curated by ICSL or reported in the Human Gene Mutation Database (HGMD: prior to June 1st, 2018), and was therefore a candidate for classification through an automated scoring system. Utilizing variant allele frequency, disease prevalence and penetrance estimates, and inheritance mode, an automated score was calculated to assess if this variant is too frequent to cause the disease. Based on the score and internal cut-off values, a variant classified as benign is not then subjected to further curation. The score for this variant resulted in a classification of benign for this disease.

Illumina Laboratory Services, Illumina
Classification: Uncertain significance for Dilated cardiomyopathy 1G. Last evaluated: 2018-01-12. Review status: criteria provided, single submitter. Criteria: ICSL Variant Classification Criteria 13 December 2019. Collection method: clinical testing. Allele origin: germline.

Illumina Laboratory Services, Illumina
Classification: Benign for Tibial muscular dystrophy. Last evaluated: 2018-01-12. Review status: criteria provided, single submitter. Criteria: ICSL Variant Classification Criteria 13 December 2019. Collection method: clinical testing. Allele origin: germline.
Comment: the same text as in the submission from Illumina Laboratory Services, Illumina above.

Illumina Laboratory Services, Illumina
Classification: Uncertain significance for Autosomal recessive limb-girdle muscular dystrophy type 2J. Last evaluated: 2018-01-12. Review status: criteria provided, single submitter. Criteria: ICSL Variant Classification Criteria 13 December 2019. Collection method: clinical testing. Allele origin: germline.

Eurofins Ntd Llc (ga)
Classification: Likely benign. Last evaluated: 2017-06-02. Review status: criteria provided, single submitter. Criteria: EGL Classification Definitions 2015. Collection method: clinical testing. Allele origin: germline. Observed: 9 variant alleles, 7 heterozygotes.

Agnes Ginges Centre for Molecular Cardiology, Centenary Institute
Classification: Likely benign for Hypertrophic cardiomyopathy 9. Last evaluated: 2017-01-25. Review status: criteria provided, single submitter. Criteria: ACMG Guidelines, 2015. Collection method: research. Allele origin: germline. Affected: yes.
Comment: This variant has been identified as part of our research program. Refer to the 'condition' field for the phenotype of the proband(s) identified with this variant. For further information please feel free to contact us.

Laboratory for Molecular Medicine, Mass General Brigham Personalized Medicine
Classification: Uncertain significance. Last evaluated: 2015-12-14. Review status: criteria provided, single submitter. Criteria: LMM Criteria. Collection method: clinical testing. Allele origin: germline. Observed: 6 variant alleles.
Comment: Variant classified as Uncertain Significance - Favor Benign. In addition, this vari ant has been identified in 54/66002 European chromosomes by the Exome Aggregatio n Consortium (ExAC; dbSNP rs201523784). Serine ( Ser) at position 7296 is not conserved in mammals or evolutionarily distant spec ies and 4 species (hedgehog, tenrec, Southern platyfish and zebrafish) carry a p henylalanine (Phe) at this position, raising the possibility that this change ma y be tolerated. Additional computational tools do not provide strong support for or against and impact to the protein. In summary, while the clinical significan ce of the p.Ser7296Phe variant is uncertain, its frequency and the presence of t he variant amino acid in other species suggest that it is more likely to be beni gn.

Biesecker Lab/Clinical Genomics Section, National Institutes of Health
Classification: Likely benign. Last evaluated: 2013-06-24. Review status: criteria provided, single submitter. Criteria: Ng et al. (Circ Cardiovasc Genet. 2013). Collection method: research. Allele origin: unknown. Observed: 2 variant alleles. Study: ClinSeq.
Comment: The study set was not selected for affection status in relation to any cancer. Pathogenicity categories were based on literature curation. See Pubmed ID:23861362 for details.

Medical sequencing